The following is an entry in ClinVar:

ClinVar aggregate classification (germline): Pathogenic (1 of 4 stars; one submission).

Conditions:
Familial hypobetalipoproteinemia 1. Also called: Hypobetalipoproteinemia, normotriglyceridemic; Acanthocytosis with hypobetalipoproteinemia; APOB-Related Familial Hypobetalipoproteinemia. Identifiers: MedGen C4551990, MONDO:0014252, OMIM 615558.
Hypercholesterolemia, autosomal dominant, type B (FHCL2). Also called: Familial Hypercholesterolemia Type B; HYPERCHOLESTEROLEMIA, FAMILIAL, DUE TO LIGAND-DEFECTIVE APOLIPOPROTEIN B; Familial hypercholesterolemia 2; APOB-Related Familial Hypercholesterolemia, Autosomal Dominant; APOLIPOPROTEIN B-100, FAMILIAL DEFECTIVE; APOLIPOPROTEIN B-100, FAMILIAL LIGAND-DEFECTIVE. Identifiers: MedGen C1704417, MONDO:0007751, OMIM 144010.

Submission:

Labcorp Genetics (formerly Invitae), Labcorp
Classification: Pathogenic for Familial hypobetalipoproteinemia 1; Hypercholesterolemia, autosomal dominant, type B. Last evaluated: 2022-08-21. Review status: criteria provided, single submitter. Criteria: Invitae Variant Classification Sherloc (09022015). Collection method: clinical testing. Allele origin: germline.
Comment: This sequence change creates a premature translational stop signal (p.Leu2212*) in the APOB gene. It is expected to result in an absent or disrupted protein product. Loss-of-function variants in APOB are known to be pathogenic (PMID: 20032471). This variant is present in population databases (no rsID available, gnomAD 0.001%). This premature translational stop signal has been observed in individual(s) with recessive hypobetalipoproteinemia (PMID: 30782561). ClinVar contains an entry for this variant (Variation ID: 920726). For these reasons, this variant has been classified as Pathogenic.

Literature cited by the submitters: PubMed 20032471; PubMed 30782561.

NM_000384.3(APOB):c.6630_6631del (p.Ser2211_Leu2212insTer)

Gene: APOB (apolipoprotein B; minus strand). Cytogenetic location: 2p24.1.
Variant type: Deletion.
Coding change: c.6630_6631del on transcript NM_000384.3 (MANE Select); coding-DNA positions 6630 to 6631, 2 bases deleted (AA; older notation c.6630_6631delAA).
Protein change: p.Ser2211_Leu2212insTer.
Molecular consequence: frameshift variant.
Genome position (GRCh38, 1-based): chr2:21,010,237-21,010,238, TT deleted on the plus strand (AA on the coding strand, the reverse complement: APOB is on the minus strand); deleting any 2 consecutive bases within chr2:21,010,237-21,010,241 gives the same sequence; the c. name uses the placement nearest the transcript's 3' end. VCF-style (leftmost placement, unchanged base first): chr2-21010236-CTT-C. GRCh37 (hg19) VCF-style: chr2-21233108-CTT-C.
Identifiers: ClinVar variation 920726 (VCV000920726.7), dbSNP rs1186975248, ClinGen allele CA531312747.